The following is an entry in ClinVar:

NM_016239.4(MYO15A):c.121del (p.Arg41fs)

Gene: MYO15A (myosin XVA; plus strand). Cytogenetic location: 17p11.2.
Variant type: Deletion.
Coding change: c.121del on transcript NM_016239.4 (MANE Select); coding-DNA position 121, one base deleted (C; older notation c.121delC).
Protein change: p.Arg41fs; shifts the reading frame from arginine 41.
Molecular consequence: frameshift variant.
Genome position (GRCh38, 1-based): chr17:18,118,921, C deleted; the last of 2 consecutive C bases (chr17:18,118,920-18,118,921); deleting either gives the same sequence. VCF-style (leftmost placement, unchanged base first): chr17-18118919-TC-T. GRCh37 (hg19) VCF-style: chr17-18022233-TC-T.
Other names: short protein forms R41fs.
Identifiers: ClinVar variation 2962328 (VCV002962328.4), dbSNP rs1261664276, ClinGen allele CA625315010.

ClinVar aggregate classification (germline): Pathogenic/Likely pathogenic. Review status: criteria provided, multiple submitters, no conflicts (2 of 4 stars). 2 submissions from 2 submitters: Pathogenic (1); Likely pathogenic (1). Last evaluated 2023-07-25.

Conditions:
MYO15A-related disorder. Also called: MYO15A-related condition.

Submissions (2):

Labcorp Genetics (formerly Invitae), Labcorp
Classification: Pathogenic. Last evaluated: 2023-07-25. Review status: criteria provided, single submitter. Criteria: Invitae Variant Classification Sherloc (09022015). Collection method: clinical testing. Allele origin: germline.
Comment: For these reasons, this variant has been classified as Pathogenic. This variant has not been reported in the literature in individuals affected with MYO15A-related conditions. This variant is present in population databases (no rsID available, gnomAD 0.002%). This sequence change creates a premature translational stop signal (p.Arg41Alafs*47) in the MYO15A gene. It is expected to result in an absent or disrupted protein product. Loss-of-function variants in MYO15A are known to be pathogenic (PMID: 17546645).

Blueprint Genetics
Classification: Likely pathogenic for MYO15A-related disorders. Last evaluated: 2021-04-12. Review status: criteria provided, single submitter. Criteria: ACMG Guidelines, 2015. Collection method: clinical testing. Allele origin: germline. Affected: yes. Observed: 2 variant alleles.

Literature cited by the submitters: PubMed 17546645 (cited by Labcorp Genetics (formerly Invitae), Labcorp).